The following is an entry in ClinVar:

ClinVar aggregate classification (germline): Uncertain significance. Review status: criteria provided, multiple submitters, no conflicts (2 of 4 stars). 2 submissions from 2 submitters: Uncertain significance (2). Last evaluated 2025-10-16.

Conditions:
Developmental and epileptic encephalopathy, 42 (DEE42A). Also called: Epileptic encephalopathy, early infantile, 42; DEVELOPMENTAL AND EPILEPTIC ENCEPHALOPATHY 42A; EPILEPTIC ENCEPHALOPATHY, EARLY INFANTILE, 42A. Identifiers: MedGen C4310716, MONDO:0014917, OMIM 617106.
Episodic ataxia type 2 (EA2). Also called: ACETAZOLAMIDE-RESPONSIVE HEREDITARY PAROXYSMAL CEREBELLAR ATAXIA; ATAXIA, EPISODIC, WITH NYSTAGMUS; ATAXIA, FAMILIAL PAROXYSMAL; CEREBELLAR ATAXIA, PAROXYSMAL, ACETAZOLAMIDE-RESPONSIVE; CEREBELLOPATHY, HEREDITARY PAROXYSMAL; EPISODIC ATAXIA, NYSTAGMUS-ASSOCIATED. Identifiers: Orphanet 97, MedGen C1720416, MONDO:0007163, OMIM 108500.

Submissions (2):

Labcorp Genetics (formerly Invitae), Labcorp
Classification: Uncertain significance for Developmental and epileptic encephalopathy, 42; Episodic ataxia type 2. Last evaluated: 2025-10-16. Review status: criteria provided, single submitter. Criteria: Invitae Variant Classification Sherloc (09022015). Collection method: clinical testing. Allele origin: germline.
Comment: This variant, c.2262_2264del, results in the deletion of 1 amino acid(s) of the CACNA1A protein (p.Ala755del), but otherwise preserves the integrity of the reading frame. This variant is not present in population databases (gnomAD no frequency). This variant has not been reported in the literature in individuals affected with CACNA1A-related conditions. Experimental studies and prediction algorithms are not available or were not evaluated, and the functional significance of this variant is currently unknown. In summary, the available evidence is currently insufficient to determine the role of this variant in disease. Therefore, it has been classified as a Variant of Uncertain Significance.

GeneDx
Classification: Uncertain significance. Last evaluated: 2025-06-16. Review status: criteria provided, single submitter. Criteria: GeneDx Variant Classification Process June 2021. Collection method: clinical testing. Allele origin: germline. Affected: yes.
Comment: Not observed at significant frequency in large population cohorts (gnomAD); In-frame deletion of 1 amino acid in a non-repeat region; In silico analysis supports a deleterious effect on protein structure/function; Has not been previously published as pathogenic or benign to our knowledge

NM_001127222.2(CACNA1A):c.2259_2261del (p.Ala754del)

Gene: CACNA1A (calcium voltage-gated channel subunit alpha1 A; minus strand). Cytogenetic location: 19p13.13.
Variant type: Deletion.
Coding change: c.2259_2261del on transcript NM_001127222.2 (MANE Select); coding-DNA positions 2259 to 2261, 3 bases deleted (GGC; older notation c.2259_2261delGGC).
Protein change: p.Ala754del; deletes alanine 754.
Molecular consequence: inframe indel (on NM_001127221.1).
Genome position (GRCh38, 1-based): chr19:13,300,568-13,300,570, GCC deleted on the plus strand (GGC on the coding strand, the reverse complement: CACNA1A is on the minus strand); deleting any 3 consecutive bases within chr19:13,300,568-13,300,572 gives the same sequence; the c. name uses the placement nearest the transcript's 3' end. VCF-style (leftmost placement, unchanged base first): chr19-13300567-GGCC-G. GRCh37 (hg19) VCF-style: chr19-13411381-GGCC-G.
Other names: c.2271_2273del, p.Ala758del (NM_000068.4, NM_023035.3); c.2260_2262delGCG, p.Ala755del (NM_001127221.1); c.2262_2264del, p.Ala755del (NM_001127221.2, NM_001174080.2); short protein forms A754del, A755del, A758del.
Identifiers: ClinVar variation 4538856 (VCV004538856.2).
Genomic context (GRCh38, chr19:13,300,567, plus strand): 5'-GTTCAGGAGCCAGGGTAGCATCCCAGGGATTAGGGGCACTTACACAGCTATAGACATGTT[GGCC>G]GCGGACAGAGGACTCACTTCTGCCACCTCCTTGGCTTTCTGTAGGGCAAGTTTCTGGTTC-3'